The following is an entry in ClinVar:

NM_001379081.2(FREM1):c.329+6C>T

Gene: FREM1 (FRAS1 related extracellular matrix 1; minus strand). Cytogenetic location: 9p22.3.
Variant type: single nucleotide variant.
Coding change: c.329+6C>T on transcript NM_001379081.2 (MANE Select); 6 bases into the intron after coding-DNA position 329, C replaced by T.
Molecular consequence: intron variant.
Genome position (GRCh38, 1-based): chr9:14,863,803, G>A on the plus strand (C>T on the coding strand, the complement: FREM1 is on the minus strand). VCF-style: chr9-14863803-G-A. GRCh37 (hg19) VCF-style: chr9-14863801-G-A.
Other names: c.329+6C>T (NM_144966.7, NM_001370065.1, NM_001370063.1 and 1 more transcripts).
Identifiers: ClinVar variation 3058103 (VCV003058103.2), dbSNP rs373292520, ClinGen allele CA4991620.

ClinVar aggregate classification (germline): Likely benign (0 of 4 stars; one submission).

Conditions:
FREM1-related disorder. Also called: FREM1-Related Disorders; FREM1-related condition.

Allele frequency attached by ClinVar (database versions not stated): ExAC 0.00001; gnomAD 0.00003; ESP Exome Variant Server 0.00008.
gnomAD v4.1: 26 of 1,583,074 alleles (0.0016%); highest among the groups gnomAD compares: South Asian, 0.0066%; no homozygotes.

Submission:

PreventionGenetics, part of Exact Sciences
Classification: Likely benign for FREM1-related condition. Last evaluated: 2019-02-28. Review status: no assertion criteria provided. Collection method: clinical testing. Allele origin: germline.
Comment: This variant is classified as likely benign based on ACMG/AMP sequence variant interpretation guidelines (Richards et al. 2015 PMID: 25741868, with internal and published modifications).